The following is an entry in ClinVar:

NM_000218.3(KCNQ1):c.1032+2T>C

Gene: KCNQ1 (potassium voltage-gated channel subfamily Q member 1; plus strand). Cytogenetic location: 11p15.5.
Variant type: single nucleotide variant.
Coding change: c.1032+2T>C on transcript NM_000218.3 (MANE Select); the canonical splice donor site of the intron after coding-DNA position 1032, T replaced by C.
Molecular consequence: splice donor variant.
Genome position (GRCh38, 1-based): chr11:2,583,547, T>C. VCF-style: chr11-2583547-T-C. GRCh37 (hg19) VCF-style: chr11-2604777-T-C.
Other names: c.762+2T>C (NM_001406837.1); c.1032+2T>C (NM_001406836.1); c.588+2T>C (NM_001406838.1); c.651+2T>C (NM_181798.2).
Identifiers: ClinVar variation 939724 (VCV000939724.13), dbSNP rs1848538318, ClinGen allele CA379133138.

ClinVar aggregate classification (germline): Pathogenic/Likely pathogenic. Review status: criteria provided, multiple submitters, no conflicts (2 of 4 stars). 3 submissions from 3 submitters: Pathogenic (2); Likely pathogenic (1). Last evaluated 2026-01-09.

Conditions:
Long QT syndrome (LQTS). Identifiers: MedGen C0023976, MeSH D008133, MONDO:0002442. Disease mechanism: loss of function. Inheritance: Various modes of inheritance.
Cardiovascular phenotype. Identifiers: MedGen CN230736.
Long QT syndrome 1 (LQT1). Identifiers: Orphanet 101016, Orphanet 768, MedGen C4551647, MONDO:0100316, OMIM 192500, MONDO:0008646.

Submissions (3):

Ambry Genetics
Classification: Pathogenic for Cardiovascular phenotype. Last evaluated: 2026-01-09. Review status: criteria provided, single submitter. Criteria: Ambry Variant Classification Scheme 2023. Collection method: clinical testing. Allele origin: germline.
Comment: The c.1032+2T>C intronic pathogenic mutation results from a T to C substitution two nucleotides after coding exon 7 in the KCNQ1 gene. Alterations that disrupt the canonical splice site are expected to result in aberrant splicing. In silico splice site analysis predicts that this alteration will weaken the native splice donor site and will result in the creation or strengthening of a novel splice donor site. A resulting transcript is predicted to be in-frame and is not expected to trigger nonsense-mediated mRNAdecay. However, the region predicted to be impacted is critical for protein function (Ambry internal data). This variant was reported in individual(s) with features consistent with long QT syndrome (Kapplinger JD et al. Heart Rhythm. 2009 Sep;6(9):1297-303; external communication; Ambry internal data). RNA studies have demonstrated that this variant results in skipping of at least exon 7 (Jiang X et al. Stem Cell Res, 2024 Jun;77:103425). This variant is considered to be rare based on population cohorts in the Genome Aggregation Database (gnomAD). This nucleotide position is highly conserved in available vertebrate species. Based on the supporting evidence, this variant is interpreted as a disease-causing mutation.

Labcorp Genetics (formerly Invitae), Labcorp
Classification: Pathogenic for Long QT syndrome. Last evaluated: 2024-12-07. Review status: criteria provided, single submitter. Criteria: Invitae Variant Classification Sherloc (09022015). Collection method: clinical testing. Allele origin: germline.
Comment: This sequence change affects a donor splice site in intron 7 of the KCNQ1 gene. It is expected to disrupt RNA splicing. Variants that disrupt the donor or acceptor splice site typically lead to a loss of protein function (PMID: 16199547), and loss-of-function variants in KCNQ1 are known to be pathogenic (PMID: 9323054, 19862833). This variant is not present in population databases (gnomAD no frequency). Disruption of this splice site has been observed in individuals with clinical features of KCNQ1-related conditions (PMID: 19716085, 26132555, 34319147). ClinVar contains an entry for this variant (Variation ID: 939724). Algorithms developed to predict the effect of sequence changes on RNA splicing suggest that this variant may disrupt the consensus splice site. For these reasons, this variant has been classified as Pathogenic.

Illumina Laboratory Services, Illumina
Classification: Likely pathogenic for Long QT syndrome 1. Last evaluated: 2023-01-27. Review status: criteria provided, single submitter. Criteria: ICSLVariantClassificationCriteria RUGD 01 April 2020. Collection method: clinical testing. Allele origin: unknown.
Comment: The KCNQ1 c.1032+2T>C variant results in the substitution of a thymine with a cytosine within the consensus splice donor site, which may result in splicing defects. This variant has been reported in one individual in the literature who was referred for genetic testing for long QT syndrome, although that individual's clinical details were not provided (PMID: 19716085). Additional variants that impact the same splice site or splice region have been reported in the literature in individuals with long QT syndrome (PMID: 16922724; PMID: 17292394; PMID: 17470695; PMID: 19684871; PMID: 26669661; PMID: 32893267; PMID: 34319147; PMID: 34505893; DOI 10.4081/cardiogenetics.2012.e6). The c.1032+2T>C variant is not found in version 2.1.1 or version 3.1.2 of the Genome Aggregation Database. This variant was identified in a de novo state. Based on the available evidence, the c.1032+2T>C variant is classified as likely pathogenic for long QT syndrome.

Literature cited by the submitters: PubMed 38653148 (cited by Ambry Genetics); PubMed 16199547 (cited by Labcorp Genetics (formerly Invitae), Labcorp); PubMed 9323054 (cited by Labcorp Genetics (formerly Invitae), Labcorp); PubMed 19862833 (cited by Labcorp Genetics (formerly Invitae), Labcorp); PubMed 19716085 (cited by Labcorp Genetics (formerly Invitae), Labcorp and Illumina Laboratory Services, Illumina); PubMed 26132555 (cited by Labcorp Genetics (formerly Invitae), Labcorp); PubMed 34319147 (cited by Labcorp Genetics (formerly Invitae), Labcorp and Illumina Laboratory Services, Illumina); PubMed 26669661 (cited by Illumina Laboratory Services, Illumina); PubMed 19684871 (cited by Illumina Laboratory Services, Illumina); PubMed 34505893 (cited by Illumina Laboratory Services, Illumina); PubMed 17292394 (cited by Illumina Laboratory Services, Illumina); PubMed 16922724 (cited by Illumina Laboratory Services, Illumina); PubMed 17470695 (cited by Illumina Laboratory Services, Illumina); PubMed 32893267 (cited by Illumina Laboratory Services, Illumina).